The following is an entry in ClinVar:

ClinVar aggregate classification (germline): Uncertain significance (1 of 4 stars; one submission).

Conditions:
Hereditary spastic paraplegia 11. Also called: Spastic paraplegia, mental retardation and thin corpus callosum; SPASTIC PARAPLEGIA, AUTOSOMAL RECESSIVE, COMPLICATED, WITH THIN CORPUS CALLOSUM; SPASTIC PARAPLEGIA, AUTOSOMAL RECESSIVE, WITH MENTAL IMPAIRMENT AND THIN CORPUS CALLOSUM; Spastic Paraplegia 11; Nakamura Osame syndrome; Autosomal recessive hereditary spastic paraplegia, mental impairment, and thin corpus callosum. Identifiers: Orphanet 2822, MedGen C1858479, MONDO:0011445, OMIM 604360.

gnomAD v4.1: 5 of 1,613,942 alleles (0.00031%); highest among the groups gnomAD compares: Non-Finnish European, 0.00042%; no homozygotes.

Submission:

Labcorp Genetics (formerly Invitae), Labcorp
Classification: Uncertain significance for Hereditary spastic paraplegia 11. Last evaluated: 2022-07-06. Review status: criteria provided, single submitter. Criteria: Invitae Variant Classification Sherloc (09022015). Collection method: clinical testing. Allele origin: germline.
Comment: This sequence change replaces arginine, which is basic and polar, with serine, which is neutral and polar, at codon 2211 of the SPG11 protein (p.Arg2211Ser). This variant is not present in population databases (gnomAD no frequency). This variant has not been reported in the literature in individuals affected with SPG11-related conditions. ClinVar contains an entry for this variant (Variation ID: 1042175). Algorithms developed to predict the effect of missense changes on protein structure and function (SIFT, PolyPhen-2, Align-GVGD) all suggest that this variant is likely to be tolerated. Algorithms developed to predict the effect of sequence changes on RNA splicing suggest that this variant may create or strengthen a splice site. In summary, the available evidence is currently insufficient to determine the role of this variant in disease. Therefore, it has been classified as a Variant of Uncertain Significance.

NM_025137.4(SPG11):c.6631C>A (p.Arg2211Ser)

Gene: SPG11 (SPG11 vesicle trafficking associated, spatacsin; minus strand). Cytogenetic location: 15q21.1.
Variant type: single nucleotide variant.
Coding change: c.6631C>A on transcript NM_025137.4 (MANE Select); coding-DNA position 6631, C replaced by A.
Protein change: p.Arg2211Ser; replaces arginine 2211 with serine.
Molecular consequence: missense variant.
Genome position (GRCh38, 1-based): chr15:44,567,547, G>T on the plus strand (C>A on the coding strand, the complement: SPG11 is on the minus strand). VCF-style: chr15-44567547-G-T. GRCh37 (hg19) VCF-style: chr15-44859745-G-T.
Other names: c.6292C>A, p.Arg2098Ser (NM_001160227.2); short protein forms R2098S, R2211S.
Identifiers: ClinVar variation 1042175 (VCV001042175.6), dbSNP rs148260507, ClinGen allele CA392215239.